The following is an entry in ClinVar:

NM_006922.4(SCN3A):c.4201G>A (p.Asp1401Asn)

Gene: SCN3A (sodium voltage-gated channel alpha subunit 3; minus strand). Cytogenetic location: 2q24.3.
Variant type: single nucleotide variant.
Coding change: c.4201G>A on transcript NM_006922.4 (MANE Select); coding-DNA position 4201, G replaced by A.
Protein change: p.Asp1401Asn; replaces aspartic acid 1401 with asparagine.
Molecular consequence: missense variant.
Genome position (GRCh38, 1-based): chr2:165,097,290, C>T on the plus strand (G>A on the coding strand, the complement: SCN3A is on the minus strand). VCF-style: chr2-165097290-C-T. GRCh37 (hg19) VCF-style: chr2-165953800-C-T.
Other names: c.4054G>A, p.Asp1352Asn (NM_001081676.2, NM_001081677.2); short protein forms D1352N, D1401N.
Identifiers: ClinVar variation 2744542 (VCV002744542.3), dbSNP rs1168205278, ClinGen allele CA349025051.

ClinVar aggregate classification (germline): Uncertain significance (1 of 4 stars; one submission).

Submission:

Labcorp Genetics (formerly Invitae), Labcorp
Classification: Uncertain significance. Last evaluated: 2023-07-17. Review status: criteria provided, single submitter. Criteria: Invitae Variant Classification Sherloc (09022015). Collection method: clinical testing. Allele origin: germline.
Comment: Advanced modeling of protein sequence and biophysical properties (such as structural, functional, and spatial information, amino acid conservation, physicochemical variation, residue mobility, and thermodynamic stability) performed at Invitae indicates that this missense variant is not expected to disrupt SCN3A protein function. This sequence change replaces aspartic acid, which is acidic and polar, with asparagine, which is neutral and polar, at codon 1401 of the SCN3A protein (p.Asp1401Asn). This variant is not present in population databases (gnomAD no frequency). This variant has not been reported in the literature in individuals affected with SCN3A-related conditions. In summary, the available evidence is currently insufficient to determine the role of this variant in disease. Therefore, it has been classified as a Variant of Uncertain Significance.